The following is an entry in ClinVar:

NM_020911.2(PLXNA4):c.2943C>T (p.Ala981=)

Gene: PLXNA4 (plexin A4; minus strand). Cytogenetic location: 7q32.3.
Variant type: single nucleotide variant.
Coding change: c.2943C>T on transcript NM_020911.2 (MANE Select); coding-DNA position 2943, C replaced by T.
Protein change: p.Ala981=; no amino-acid change (alanine 981 retained).
Molecular consequence: synonymous variant.
Genome position (GRCh38, 1-based): chr7:132,187,521, G>A on the plus strand (C>T on the coding strand, the complement: PLXNA4 is on the minus strand). VCF-style: chr7-132187521-G-A. GRCh37 (hg19) VCF-style: chr7-131872280-G-A.
Other names: c.2943C>T, p.Ala981= (NM_001393897.1).
Identifiers: ClinVar variation 3051305 (VCV003051305.2), dbSNP rs770048741, ClinGen allele CA4489653.

ClinVar aggregate classification (germline): Likely benign (0 of 4 stars; one submission).

Conditions:
PLXNA4-related disorder. Also called: PLXNA4-related condition.

Allele frequency attached by ClinVar (database versions not stated): TOPMed 0.00001; ExAC 0.00002; gnomAD 0.00003; gnomAD exomes 0.00004.
gnomAD v4.1: 57 of 1,613,970 alleles (0.0035%); highest among the groups gnomAD compares: East Asian, 0.0067%; no homozygotes.

Submission:

PreventionGenetics, part of Exact Sciences
Classification: Likely benign for PLXNA4-related condition. Last evaluated: 2023-04-16. Review status: no assertion criteria provided. Collection method: clinical testing. Allele origin: germline.
Comment: This variant is classified as likely benign based on ACMG/AMP sequence variant interpretation guidelines (Richards et al. 2015 PMID: 25741868, with internal and published modifications).